The following is an entry in ClinVar:

NM_001873.4(CPE):c.1309G>A (p.Val437Ile)

Gene: CPE (carboxypeptidase E; plus strand). Cytogenetic location: 4q32.3.
Variant type: single nucleotide variant.
Coding change: c.1309G>A on transcript NM_001873.4 (MANE Select); coding-DNA position 1309, G replaced by A.
Protein change: p.Val437Ile; replaces valine 437 with isoleucine.
Molecular consequence: missense variant.
Genome position (GRCh38, 1-based): chr4:165,495,654, G>A. VCF-style: chr4-165495654-G-A. GRCh37 (hg19) VCF-style: chr4-166416806-G-A.
Other names: c.1309G>A (NM_001873.3, NM_001873.2); short protein forms V437I.
Identifiers: ClinVar variation 1394547 (VCV001394547.11), dbSNP rs141075309, ClinGen allele CA3130419.

ClinVar aggregate classification (germline): Conflicting classifications of pathogenicity. Review status: criteria provided, conflicting classifications (1 of 4 stars). 5 submissions from 5 submitters: Uncertain significance (4); Likely benign (1). Last evaluated 2026-08-07.

Conditions:
CPE-related disorder. Also called: CPE-related condition.
Inborn genetic diseases. Identifiers: MedGen C0950123, MeSH D030342.

Allele frequency attached by ClinVar (database versions not stated): gnomAD exomes 0.00055 and 0.00086; ExAC 0.00059; gnomAD 0.00060 and 0.00063; TOPMed 0.00060; ESP Exome Variant Server 0.00062.
gnomAD v4.1: 1,323 of 1,612,870 alleles (0.082%); highest among the groups gnomAD compares: Non-Finnish European, 0.1%; no homozygotes.

Submissions (5):

PreventionGenetics, part of Exact Sciences
Classification: Uncertain significance for CPE-related condition. Last evaluated: 2026-08-07. Review status: criteria provided, single submitter. Criteria: ACMG Guidelines, 2015. Collection method: clinical testing. Allele origin: germline.
Comment: The CPE c.1309G>A variant is predicted to result in the amino acid substitution p.Val437Ile. This variant was reported in a patient with obesity (Table S1, Roberts et al. 2022. PubMed ID: 35562395). This variant is reported in 0.14% of alleles in individuals of Ashkenazi Jewish descent in gnomAD, which may be too common to be a cause of disease. Although we suspect that this variant may be benign, at this time, the clinical significance of this variant is uncertain due to the absence of conclusive functional and genetic evidence.

Labcorp Genetics (formerly Invitae), Labcorp
Classification: Uncertain significance. Last evaluated: 2026-01-08. Review status: criteria provided, single submitter. Criteria: Invitae Variant Classification Sherloc (09022015). Collection method: clinical testing. Allele origin: germline.
Comment: This sequence change replaces valine, which is neutral and non-polar, with isoleucine, which is neutral and non-polar, at codon 437 of the CPE protein (p.Val437Ile). This variant is present in population databases (rs141075309, gnomAD 0.1%), including at least one homozygous and/or hemizygous individual. This missense change has been observed in individual(s) with obesity (PMID: 35562395). ClinVar contains an entry for this variant (Variation ID: 1394547). An algorithm developed to predict the effect of missense changes on protein structure and function (PolyPhen-2) suggests that this variant is likely to be tolerated. In summary, the available evidence is currently insufficient to determine the role of this variant in disease. Therefore, it has been classified as a Variant of Uncertain Significance.

Blueprint Genetics
Classification: Likely benign. Last evaluated: 2024-11-05. Review status: criteria provided, single submitter. Criteria: ACMG Guidelines, 2015. Collection method: clinical testing. Allele origin: germline.

Women's Health and Genetics/Laboratory Corporation of America, LabCorp
Classification: Uncertain significance. Last evaluated: 2024-05-13. Review status: criteria provided, single submitter. Criteria: LabCorp Variant Classification Summary - May 2015. Collection method: clinical testing. Allele origin: germline.
Comment: Variant summary: CPE c.1309G>A (p.Val437Ile) results in a conservative amino acid change located in the Peptidase M14, carboxypeptidase A domain (IPR000834) of the encoded protein sequence. Four of five in-silico tools predict a benign effect of the variant on protein function. The variant allele was found at a frequency of 0.00055 in 250776 control chromosomes. c.1309G>A has been reported in the literature in unspecified individuals affected with Obesity (Roberts_2022). These report(s) do not provide unequivocal conclusions about association of the variant with BDV Syndrome. To our knowledge, no experimental evidence demonstrating an impact on protein function has been reported. The following publication have been ascertained in the context of this evaluation (PMID: 35562395). ClinVar contains an entry for this variant (Variation ID: 1394547). Based on the evidence outlined above, the variant was classified as uncertain significance.

Ambry Genetics
Classification: Uncertain significance for Inborn genetic diseases. Last evaluated: 2022-07-28. Review status: criteria provided, single submitter. Criteria: Ambry Variant Classification Scheme 2023. Collection method: clinical testing. Allele origin: germline.

Literature cited by the submitters: PubMed 35562395 (cited by Labcorp Genetics (formerly Invitae), Labcorp and Women's Health and Genetics/Laboratory Corporation of America, LabCorp).